The following is an entry in ClinVar:

ClinVar aggregate classification (germline): Uncertain significance (1 of 4 stars; one submission).

Conditions:
Cardiomyopathy (CMYO). Also called: Cardiomyopathies. Identifiers: Orphanet 167848, MedGen C0878544, MONDO:0004994, HP:0001638. Inheritance: Various modes of inheritance.

gnomAD v4.1: 5 of 1,613,824 alleles (0.00031%); highest among the groups gnomAD compares: African/African-American, 0.0013%; no homozygotes.

Submission:

Clinical Genetics Laboratory, Skane University Hospital Lund
Classification: Uncertain significance for Cardiomyopathy. Last evaluated: 2026-06-25. Review status: criteria provided, single submitter. Criteria: ACMG Guidelines, 2015. Collection method: clinical testing. Allele origin: germline. Affected: yes.
Comment: The variant was assessed according to ClinGen Cardiomyopathy Expert Panel Specifications to the ACMG/AMP Variant Interpretation Guidelines for MYH7 Version 2.0.0. Applied criteria: PM2, PP3

NM_000257.4(MYH7):c.530+6T>C

Gene: MYH7 (myosin heavy chain 7; minus strand). Cytogenetic location: 14q11.2.
Variant type: single nucleotide variant.
Coding change: c.530+6T>C on transcript NM_000257.4 (MANE Select); 6 bases into the intron after coding-DNA position 530, T replaced by C.
Molecular consequence: intron variant.
Genome position (GRCh38, 1-based): chr14:23,432,473, A>G on the plus strand (T>C on the coding strand, the complement: MYH7 is on the minus strand). VCF-style: chr14-23432473-A-G. GRCh37 (hg19) VCF-style: chr14-23901682-A-G.
Other names: c.530+6T>C (NM_001407004.1).
Identifiers: ClinVar variation 4890856 (VCV004890856.1).